The following is an entry in ClinVar:

ClinVar aggregate classification (germline): Uncertain significance (1 of 4 stars; one submission).

Conditions:
Postaxial polydactyly-anterior pituitary anomalies-facial dysmorphism syndrome. Also called: Culler-Jones syndrome. Identifiers: Orphanet 420584, MedGen C4014479, MONDO:0014369, OMIM 615849.
Holoprosencephaly 9 (HPE9). Also called: PITUITARY ANOMALIES WITH HOLOPROSENCEPHALY-LIKE FEATURES; HOLOPROSENCEPHALY WITH MICROPHTHALMIA AND FIRST BRANCHIAL ARCH ANOMALIES. Identifiers: Orphanet 2162, MedGen C1835819, MONDO:0012563, OMIM 610829.

Submission:

Labcorp Genetics (formerly Invitae), Labcorp
Classification: Uncertain significance for Postaxial polydactyly-anterior pituitary anomalies-facial dysmorphism syndrome; Holoprosencephaly 9. Last evaluated: 2024-02-26. Review status: criteria provided, single submitter. Criteria: Invitae Variant Classification Sherloc (09022015). Collection method: clinical testing. Allele origin: germline.
Comment: This sequence change replaces serine, which is neutral and polar, with leucine, which is neutral and non-polar, at codon 1025 of the GLI2 protein (p.Ser1025Leu). This variant is present in population databases (no rsID available, gnomAD 0.007%). This variant has not been reported in the literature in individuals affected with GLI2-related conditions. Advanced modeling of protein sequence and biophysical properties (such as structural, functional, and spatial information, amino acid conservation, physicochemical variation, residue mobility, and thermodynamic stability) performed at Invitae indicates that this missense variant is expected to disrupt GLI2 protein function with a positive predictive value of 80%. In summary, the available evidence is currently insufficient to determine the role of this variant in disease. Therefore, it has been classified as a Variant of Uncertain Significance.

NM_001374353.1(GLI2):c.3023C>T (p.Ser1008Leu)

Gene: GLI2 (GLI family zinc finger 2; plus strand). Cytogenetic location: 2q14.2.
Variant type: single nucleotide variant.
Coding change: c.3023C>T on transcript NM_001374353.1 (MANE Select); coding-DNA position 3023, C replaced by T.
Protein change: p.Ser1008Leu; replaces serine 1008 with leucine.
Molecular consequence: missense variant.
Genome position (GRCh38, 1-based): chr2:120,988,988, C>T. VCF-style: chr2-120988988-C-T. GRCh37 (hg19) VCF-style: chr2-121746564-C-T.
Other names: c.3074C>T, p.Ser1025Leu (NM_001371271.1, NM_005270.5); c.2648C>T, p.Ser883Leu (NM_001374354.1); short protein forms S1008L, S1025L, S883L.
Identifiers: ClinVar variation 3750208 (VCV003750208.2).